The following is an entry in ClinVar:

ClinVar aggregate classification (germline): Likely benign (1 of 4 stars; one submission).

gnomAD v4.1: 7 of 1,210,936 alleles (0.00058%); highest among the groups gnomAD compares: South Asian, 0.0088%; no homozygotes.

Submission:

CeGaT Center for Human Genetics Tuebingen
Classification: Likely benign. Last evaluated: 2024-11-01. Review status: criteria provided, single submitter. Criteria: CeGaT Center For Human Genetics Tuebingen Variant Classification Criteria Version 2. Collection method: clinical testing. Allele origin: germline. Affected: yes. Observed: 1 variant allele.
Comment: NHS: BP4

NM_001291867.2(NHS):c.3516G>A (p.Thr1172=)

Gene: NHS (NHS actin remodeling regulator; plus strand). Cytogenetic location: Xp22.13.
Variant type: single nucleotide variant.
Coding change: c.3516G>A on transcript NM_001291867.2 (MANE Select); coding-DNA position 3516, G replaced by A.
Protein change: p.Thr1172=; no amino-acid change (threonine 1172 retained).
Molecular consequence: synonymous variant.
Genome position (GRCh38, 1-based): chrX:17,727,622, G>A. VCF-style: chrX-17727622-G-A. GRCh37 (hg19) VCF-style: chrX-17745742-G-A.
Other names: c.2985G>A, p.Thr995= (NM_001136024.4); c.2922G>A, p.Thr974= (NM_001291868.2); c.3453G>A, p.Thr1151= (NM_198270.4).
Identifiers: ClinVar variation 3388980 (VCV003388980.14).